The following is an entry in ClinVar:

NM_205768.3(ZBTB18):c.416A>C (p.Lys139Thr)

Gene: ZBTB18 (zinc finger and BTB domain containing 18; plus strand). Cytogenetic location: 1q44.
Variant type: single nucleotide variant.
Coding change: c.416A>C on transcript NM_205768.3 (MANE Select); coding-DNA position 416, A replaced by C.
Protein change: p.Lys139Thr; replaces lysine 139 with threonine.
Molecular consequence: missense variant.
Genome position (GRCh38, 1-based): chr1:244,054,190, A>C. VCF-style: chr1-244054190-A-C. GRCh37 (hg19) VCF-style: chr1-244217492-A-C.
Other names: c.389A>C, p.Lys130Thr (NM_001278196.2, NM_006352.5); c.416A>C, p.Lys139Thr (NM_001421566.1); short protein forms K130T, K139T.
Identifiers: ClinVar variation 4087916 (VCV004087916.1).

ClinVar aggregate classification (germline): Uncertain significance (1 of 4 stars; one submission).

Submission:

GeneDx
Classification: Uncertain significance. Last evaluated: 2025-03-25. Review status: criteria provided, single submitter. Criteria: GeneDx Variant Classification Process June 2021. Collection method: clinical testing. Allele origin: germline. Affected: yes.
Comment: Not observed at significant frequency in large population cohorts (gnomAD); In silico analysis indicates that this missense variant does not alter protein structure/function; Has not been previously published as pathogenic or benign to our knowledge